The following is an entry in ClinVar:

NM_052989.3(IFT122):c.3316G>A (p.Glu1106Lys)

Gene: IFT122 (intraflagellar transport 122; plus strand). Cytogenetic location: 3q22.1.
Variant type: single nucleotide variant.
Coding change: c.3316G>A on transcript NM_052989.3 (MANE Select); coding-DNA position 3316, G replaced by A.
Protein change: p.Glu1106Lys; replaces glutamic acid 1106 with lysine.
Molecular consequence: missense variant.
Genome position (GRCh38, 1-based): chr3:129,517,519, G>A. VCF-style: chr3-129517519-G-A. GRCh37 (hg19) VCF-style: chr3-129236362-G-A.
Other names: c.3295G>A, p.Glu1099Lys (NM_001280541.2); c.2866G>A, p.Glu956Lys (NM_001280545.2); c.2689G>A, p.Glu897Lys (NM_001280546.2); c.3319G>A, p.Glu1107Lys (NM_001410808.1); c.3262G>A, p.Glu1088Lys (NM_001410809.1); c.3142G>A, p.Glu1048Lys (NM_001410810.1); c.3088G>A, p.Glu1030Lys (NM_001410811.1); c.3085G>A, p.Glu1029Lys (NM_001410813.1); and 5 more; short protein forms E1047K, E897K, E1088K, E1106K, E995K, E1029K, E1030K, E1048K.
Identifiers: ClinVar variation 2140036 (VCV002140036.4), dbSNP rs755389166, ClinGen allele CA2606881.

ClinVar aggregate classification (germline): Uncertain significance (1 of 4 stars; one submission).

Conditions:
Cranioectodermal dysplasia 1 (CED1). Also called: LEVIN SYNDROME I. Identifiers: Orphanet 1515, MedGen C0432235, MONDO:0021093, OMIM 218330.

gnomAD v4.1: 1 of 1,614,046 alleles (0.000062%); highest among the groups gnomAD compares: East Asian, 0.0022%; no homozygotes.

Submission:

Labcorp Genetics (formerly Invitae), Labcorp
Classification: Uncertain significance for Cranioectodermal dysplasia 1. Last evaluated: 2022-08-20. Review status: criteria provided, single submitter. Criteria: Invitae Variant Classification Sherloc (09022015). Collection method: clinical testing. Allele origin: germline.
Comment: Algorithms developed to predict the effect of missense changes on protein structure and function (SIFT, PolyPhen-2, Align-GVGD) all suggest that this variant is likely to be disruptive. This sequence change replaces glutamic acid, which is acidic and polar, with lysine, which is basic and polar, at codon 1157 of the IFT122 protein (p.Glu1157Lys). This variant is present in population databases (rs755389166, gnomAD 0.006%). This variant has not been reported in the literature in individuals affected with IFT122-related conditions. In summary, the available evidence is currently insufficient to determine the role of this variant in disease. Therefore, it has been classified as a Variant of Uncertain Significance.